The following is an entry in ClinVar:

ClinVar aggregate classification (germline): Uncertain significance (1 of 4 stars; one submission).

Submission:

Women's Health and Genetics/Laboratory Corporation of America, LabCorp
Classification: Uncertain significance. Last evaluated: 2023-11-17. Review status: criteria provided, single submitter. Criteria: LabCorp Variant Classification Summary - May 2015. Collection method: clinical testing. Allele origin: germline.
Comment: Variant summary: ADGRV1 c.13757_13762dupAAGGAG (p.Glu4586_Gly4587dup) results in an in-frame duplication that is predicted to duplicate 2 amino acids into the encoded protein. The variant allele was found at a frequency of 4e-06 in 248838 control chromosomes. The available data on variant occurrences in the general population are insufficient to allow any conclusion about variant significance. To our knowledge, no occurrence of c.13757_13762dupAAGGAG in individuals affected with ADGRV1-Related Disorders and no experimental evidence demonstrating its impact on protein function have been reported. No submitters have cited clinical-significance assessments for this variant to ClinVar after 2014. Based on the evidence outlined above, the variant was classified as uncertain significance.

NM_032119.4(ADGRV1):c.13751AAGGAG[3] (p.Gly4587_Gly4588insGluGly)

Gene: ADGRV1 (adhesion G protein-coupled receptor V1; plus strand). Cytogenetic location: 5q14.3.
Variant type: Microsatellite.
Coding change: c.13751AAGGAG[3] on transcript NM_032119.4 (MANE Select); three copies in a row of the 6-base unit AAGGAG starting at c.13751; the reference has two copies in a row; one copy, 6 bases duplicated.
Protein change: p.Gly4587_Gly4588insGluGly.
Molecular consequence: inframe insertion. On other transcripts: non-coding transcript variant (1).
Genome position (GRCh38, 1-based): chr5:90,788,174-90,788,179, AAGGAG duplicated; duplicating any 6 consecutive bases within chr5:90,788,164-90,788,179 gives the same sequence; the position shown is the placement nearest the transcript's 3' end. VCF-style (leftmost placement, unchanged base first): chr5-90788163-T-TGGAGAA. GRCh37 (hg19) VCF-style: chr5-90083980-T-TGGAGAA.
Other names: c.13757_13762dupAAGGAG (NM_032119.4).
Identifiers: ClinVar variation 2682620 (VCV002682620.1), dbSNP rs1237901984, ClinGen allele CA561260168.